The following is an entry in ClinVar:

ClinVar aggregate classification (germline): Uncertain significance. Review status: criteria provided, multiple submitters, no conflicts (2 of 4 stars). 2 submissions from 2 submitters: Uncertain significance (2). Last evaluated 2025-08-30.

Conditions:
Hereditary cancer-predisposing syndrome. Also called: Neoplastic Syndromes, Hereditary; Hereditary neoplastic syndrome; Tumor predisposition; Hereditary Cancer Syndrome. Identifiers: Orphanet 140162, MedGen C0027672, MeSH D009386, MONDO:0015356.
Hereditary breast ovarian cancer syndrome. Also called: BRCA1- and BRCA2-Associated Hereditary Breast and Ovarian Cancer; Hereditary breast and ovarian cancer syndrome (HBOC); Hereditary breast and ovarian cancer syndrome; Hereditary breast and ovarian cancer; Breast and ovarian cancer; Hereditary breast and/or ovarian cancer syndrome. Identifiers: Orphanet 145, MedGen C0677776, MeSH D061325, MONDO:0003582. Disease mechanism: loss of function.

Submissions (2):

Ambry Genetics
Classification: Uncertain significance for Hereditary cancer-predisposing syndrome. Last evaluated: 2025-08-30. Review status: criteria provided, single submitter. Criteria: Ambry Variant Classification Scheme 2023. Collection method: clinical testing. Allele origin: germline.
Comment: The p.S217F variant (also known as c.650C>T), located in coding exon 7 of the BRCA2 gene, results from a C to T substitution at nucleotide position 650. The serine at codon 217 is replaced by phenylalanine, an amino acid with highly dissimilar properties. This amino acid position is conserved. In addition, this alteration is predicted to be tolerated by in silico analysis. Based on the available evidence, the clinical significance of this variant remains unclear.

Labcorp Genetics (formerly Invitae), Labcorp
Classification: Uncertain significance for Hereditary breast ovarian cancer syndrome. Last evaluated: 2021-12-01. Review status: criteria provided, single submitter. Criteria: Invitae Variant Classification Sherloc (09022015). Collection method: clinical testing. Allele origin: germline.
Comment: This variant has not been reported in the literature in individuals affected with BRCA2-related conditions. This variant is not present in population databases (gnomAD no frequency). This sequence change replaces serine, which is neutral and polar, with phenylalanine, which is neutral and non-polar, at codon 217 of the BRCA2 protein (p.Ser217Phe). Advanced modeling of protein sequence and biophysical properties (such as structural, functional, and spatial information, amino acid conservation, physicochemical variation, residue mobility, and thermodynamic stability) performed at Invitae indicates that this missense variant is not expected to disrupt BRCA2 protein function. In summary, the available evidence is currently insufficient to determine the role of this variant in disease. Therefore, it has been classified as a Variant of Uncertain Significance.

NM_000059.4(BRCA2):c.650C>T (p.Ser217Phe)

Gene: BRCA2 (BRCA2 DNA repair associated; plus strand). Cytogenetic location: 13q13.1.
Variant type: single nucleotide variant.
Coding change: c.650C>T on transcript NM_000059.4 (MANE Select); coding-DNA position 650, C replaced by T.
Protein change: p.Ser217Phe; replaces serine 217 with phenylalanine.
Molecular consequence: missense variant.
Genome position (GRCh38, 1-based): chr13:32,329,461, C>T. VCF-style: chr13-32329461-C-T. GRCh37 (hg19) VCF-style: chr13-32903598-C-T.
Other names: c.650C>T (NM_000059.3); short protein forms S217F.
Identifiers: ClinVar variation 1395988 (VCV001395988.7), dbSNP rs2137458250, ClinGen allele CA387759420.
Genomic context (GRCh38, chr13:32,329,461, plus strand): 5'-TCTAGTGATAATATACAATACACATAAATTTTTATCTTACAGTCAGAAATGAAGAAGCAT[C>T]TGAAACTGTATTTCCTCATGATACTACTGCTGTAAGTAAATATGACATTGATTAGACTGT-3'
Protein context (NP_000050.3, residues 207-227): TVLIVRNEEA[Ser217Phe]ETVFPHDTTA